The following is an entry in ClinVar:

ClinVar aggregate classification (germline): Conflicting classifications of pathogenicity. Review status: criteria provided, conflicting classifications (1 of 4 stars). 5 submissions from 4 submitters: Uncertain significance (4); Benign (1). Last evaluated 2026-06-17.

Conditions:
RASopathy. Also called: rasopathies; Noonan spectrum disorder. Identifiers: Orphanet 536391, MedGen C5555857, MONDO:0021060.
Fibromatosis, gingival, 1 (GINGF1). Identifiers: Orphanet 2024, MedGen C4551558, MONDO:0007609, OMIM 135300.
Noonan syndrome 4 (NS4). Also called: SOS1-Related Noonan Syndrome; NOONAN SYNDROME WITH PIGMENTED VILLONODULAR SYNOVITIS. Identifiers: Orphanet 648, MedGen C1853120, MONDO:0012547, OMIM 610733.
SOS1-related disorder. Also called: SOS1-related condition.
Cardiovascular phenotype. Identifiers: MedGen CN230736.

Allele frequency attached by ClinVar (database versions not stated): gnomAD exomes below 0.00001; ExAC 0.00001; gnomAD 0.00001; TOPMed 0.00002; ESP Exome Variant Server 0.00008.
gnomAD v4.1: 3 of 1,613,896 alleles (0.00019%); highest among the groups gnomAD compares: African/African-American, 0.004%; no homozygotes.

Submissions (5):

PreventionGenetics, part of Exact Sciences
Classification: Uncertain significance for SOS1-related condition. Last evaluated: 2026-06-17. Review status: criteria provided, single submitter. Criteria: ACMG Guidelines, 2015. Collection method: clinical testing. Allele origin: germline.
Comment: The SOS1 c.3274G>A variant is predicted to result in the amino acid substitution p.Ala1092Thr. To our knowledge, this variant has not been reported in the literature. This variant is reported in 0.0062% of alleles in individuals of African descent in gnomAD. At this time, the clinical significance of this variant is uncertain due to the absence of conclusive functional and genetic evidence.

Labcorp Genetics (formerly Invitae), Labcorp
Classification: Benign for RASopathy. Last evaluated: 2026-01-25. Review status: criteria provided, single submitter. Criteria: Invitae Variant Classification Sherloc (09022015). Collection method: clinical testing. Allele origin: germline.

Ambry Genetics
Classification: Uncertain significance for Cardiovascular phenotype. Last evaluated: 2019-09-06. Review status: criteria provided, single submitter. Criteria: Ambry Variant Classification Scheme 2023. Collection method: clinical testing. Allele origin: germline.
Comment: The p.A1092T variant (also known as c.3274G>A), located in coding exon 20 of the SOS1 gene, results from a G to A substitution at nucleotide position 3274. The alanine at codon 1092 is replaced by threonine, an amino acid with similar properties. This amino acid position is well conserved in available vertebrate species. In addition, this alteration is predicted to be tolerated by in silico analysis. Since supporting evidence is limited at this time, the clinical significance of this alteration remains unclear.

Genome-Nilou Lab
Classification: Uncertain significance for Noonan syndrome 4. Review status: criteria provided, single submitter. Criteria: ACMG Guidelines, 2015. Collection method: clinical testing. Allele origin: germline.

Genome-Nilou Lab
Classification: Uncertain significance for Fibromatosis, gingival, 1. Review status: criteria provided, single submitter. Criteria: ACMG Guidelines, 2015. Collection method: clinical testing. Allele origin: germline.

NM_005633.4(SOS1):c.3274G>A (p.Ala1092Thr)

Gene: SOS1 (SOS Ras/Rac guanine nucleotide exchange factor 1; minus strand). Cytogenetic location: 2p22.1.
Variant type: single nucleotide variant.
Coding change: c.3274G>A on transcript NM_005633.4 (MANE Select); coding-DNA position 3274, G replaced by A.
Protein change: p.Ala1092Thr; replaces alanine 1092 with threonine.
Molecular consequence: missense variant.
Genome position (GRCh38, 1-based): chr2:38,995,195, C>T on the plus strand (G>A on the coding strand, the complement: SOS1 is on the minus strand). VCF-style: chr2-38995195-C-T. GRCh37 (hg19) VCF-style: chr2-39222336-C-T.
Other names: c.3253G>A, p.Ala1085Thr (NM_001382394.1); c.3274G>A, p.Ala1092Thr (NM_001382395.1); short protein forms A1092T, A1085T.
Identifiers: ClinVar variation 656370 (VCV000656370.14), dbSNP rs373948887, ClinGen allele CA1624232.